The following is an entry in ClinVar:

NM_014339.7(IL17RA):c.460G>C (p.Asp154His)

Gene: IL17RA (interleukin 17 receptor A; plus strand). Cytogenetic location: 22q11.1.
Variant type: single nucleotide variant.
Coding change: c.460G>C on transcript NM_014339.7 (MANE Select); coding-DNA position 460, G replaced by C.
Protein change: p.Asp154His; replaces aspartic acid 154 with histidine.
Molecular consequence: missense variant.
Genome position (GRCh38, 1-based): chr22:17,100,391, G>C. VCF-style: chr22-17100391-G-C. GRCh37 (hg19) VCF-style: chr22-17581281-G-C.
Other names: c.460G>C, p.Asp154His (NM_001289905.2); c.460G>C (NM_014339.5); short protein forms D154H.
Identifiers: ClinVar variation 1061782 (VCV001061782.6), dbSNP rs1354147415, ClinGen allele CA410212050.
Genomic context (GRCh38, chr22:17,100,391, plus strand): 5'-CTTCCCTTCCTCCCTTCTCTTCAGTGGCGTTTTACCTTCAGCCACTTTGTGGTTGACCCT[G>C]ACCAGGAATATGAGGTGACCGTTCACCACCTGCCCAAGCCCATCCCTGATGGGGACCCAA-3'
Protein context (NP_055154.3, residues 144-164): FTFSHFVVDP[Asp154His]QEYEVTVHHL

ClinVar aggregate classification (germline): Uncertain significance. Review status: criteria provided, multiple submitters, no conflicts (2 of 4 stars). 2 submissions from 2 submitters: Uncertain significance (2). Last evaluated 2024-11-05.

Conditions:
Immunodeficiency 51 (IMD51). Also called: CANDIDIASIS, FAMILIAL, 5. Identifiers: Orphanet 1334, MedGen C4310803, MONDO:0013500, OMIM 613953.

Allele frequency attached by ClinVar (database versions not stated): gnomAD exomes below 0.00001.
gnomAD v4.1: 5 of 1,614,098 alleles (0.00031%); highest among the groups gnomAD compares: Admixed American, 0.0067%; no homozygotes.

Submissions (2):

Labcorp Genetics (formerly Invitae), Labcorp
Classification: Uncertain significance for Immunodeficiency 51. Last evaluated: 2024-11-05. Review status: criteria provided, single submitter. Criteria: Invitae Variant Classification Sherloc (09022015). Collection method: clinical testing. Allele origin: germline.
Comment: This sequence change replaces aspartic acid, which is acidic and polar, with histidine, which is basic and polar, at codon 154 of the IL17RA protein (p.Asp154His). This variant is present in population databases (no rsID available, gnomAD 0.003%). This variant has not been reported in the literature in individuals affected with IL17RA-related conditions. ClinVar contains an entry for this variant (Variation ID: 1061782). Invitae Evidence Modeling of protein sequence and biophysical properties (such as structural, functional, and spatial information, amino acid conservation, physicochemical variation, residue mobility, and thermodynamic stability) indicates that this missense variant is not expected to disrupt IL17RA protein function with a negative predictive value of 80%. In summary, the available evidence is currently insufficient to determine the role of this variant in disease. Therefore, it has been classified as a Variant of Uncertain Significance.

Ambry Genetics
Classification: Uncertain significance. Last evaluated: 2024-10-20. Review status: criteria provided, single submitter. Criteria: Ambry Variant Classification Scheme 2023. Collection method: clinical testing. Allele origin: germline.